The following is an entry in ClinVar:

ClinVar aggregate classification (germline): Uncertain significance (1 of 4 stars; one submission).

Conditions:
Autosomal recessive early-onset Parkinson disease 6 (PARK6). Also called: PARKINSON DISEASE 6, MODIFIER OF; PINK1 Type of Young-Onset Parkinson Disease; PINK1-Related Parkinson Disease; PARKINSON DISEASE 6, EARLY-ONSET. Identifiers: Orphanet 2828, MedGen C1853833, MONDO:0011613, OMIM 605909.

Submission:

Labcorp Genetics (formerly Invitae), Labcorp
Classification: Uncertain significance for Autosomal recessive early-onset Parkinson disease 6. Last evaluated: 2022-08-22. Review status: criteria provided, single submitter. Criteria: Invitae Variant Classification Sherloc (09022015). Collection method: clinical testing. Allele origin: germline.
Comment: This sequence change falls in intron 4 of the PINK1 gene. It does not directly change the encoded amino acid sequence of the PINK1 protein. This variant is not present in population databases (gnomAD no frequency). In summary, the available evidence is currently insufficient to determine the role of this variant in disease. Therefore, it has been classified as a Variant of Uncertain Significance. Algorithms developed to predict the effect of sequence changes on RNA splicing suggest that this variant may disrupt the consensus splice site. This variant has not been reported in the literature in individuals affected with PINK1-related conditions.

NM_032409.3(PINK1):c.960-8T>A

Genes: PINK1 (PTEN induced kinase 1; plus strand), PINK1-AS (PINK1 antisense RNA; minus strand). Cytogenetic location: 1p36.12.
Variant type: single nucleotide variant.
Coding change: c.960-8T>A on transcript NM_032409.3 (MANE Select); 8 bases into the intron before coding-DNA position 960, T replaced by A.
Molecular consequence: intron variant.
Genome position (GRCh38, 1-based): chr1:20,645,552, T>A. VCF-style: chr1-20645552-T-A. GRCh37 (hg19) VCF-style: chr1-20972045-T-A.
Identifiers: ClinVar variation 2103886 (VCV002103886.4), dbSNP rs971477060, ClinGen allele CA2580061428.